The following is an entry in ClinVar:

NM_144997.7(FLCN):c.636del (p.Gln212fs)

Gene: FLCN (folliculin; minus strand). Cytogenetic location: 17p11.2.
Variant type: Deletion.
Coding change: c.636del on transcript NM_144997.7 (MANE Select); coding-DNA position 636, one base deleted (G; older notation c.636delG).
Protein change: p.Gln212fs; shifts the reading frame from glutamine 212.
Molecular consequence: frameshift variant.
Genome position (GRCh38, 1-based): chr17:17,222,644, C deleted on the plus strand (G on the coding strand, the reverse complement: FLCN is on the minus strand). VCF-style (leftmost placement, unchanged base first): chr17-17222643-AC-A. GRCh37 (hg19) VCF-style: chr17-17125957-AC-A.
Other names: c.690del, p.Gln230fs (NM_001353229.2); c.636del, p.Gln212fs (NM_001353230.2, NM_001353231.2, NM_144606.7); short protein forms Q212fs, Q230fs.
Identifiers: ClinVar variation 3382013 (VCV003382013.2).

ClinVar aggregate classification (germline): Pathogenic (1 of 4 stars; one submission).

Conditions:
Familial spontaneous pneumothorax (PSP). Identifiers: Orphanet 2903, MedGen C1868193, MONDO:0008259, OMIM 173600.
Birt-Hogg-Dube syndrome 1 (BHD1). Also called: FIBROFOLLICULOMAS WITH TRICHODISCOMAS AND ACROCHORDONS. Identifiers: Orphanet 122, MedGen CN375946, MONDO:0800445, OMIM 135150.
Nonpapillary renal cell carcinoma. Identifiers: Orphanet 422526, MedGen CN074294, MONDO:0007763, OMIM 144700.
Colorectal cancer. Also called: Colorectal cancer, somatic; Malignant Colorectal Neoplasm. Identifiers: MedGen C0346629, MONDO:0005575, OMIM 114500.

Submission:

Juno Genomics, Hangzhou Juno Genomics, Inc
Classification: Pathogenic for Birt-Hogg-Dube syndrome 1; Colorectal cancer; Familial spontaneous pneumothorax; Nonpapillary renal cell carcinoma. Review status: criteria provided, single submitter. Criteria: ACMG Guidelines, 2015. Collection method: clinical testing. Allele origin: germline. Affected: yes.
Comment: Null variant in a gene where loss of function (LOF) is a known mechanism of disease.;Absent from controls (or at extremely low frequency if recessive) in Genome Aggregation Database, Exome Sequencing Project, 1000 Genomes Project, or Exome Aggregation Consortium.;Patient's phenotype or family history is highly specific for a disease with a single genetic etiology.